The following is an entry in ClinVar:

NM_001875.5(CPS1):c.3949del (p.Arg1317fs)

Gene: CPS1 (carbamoyl-phosphate synthase 1; plus strand). Cytogenetic location: 2q34.
Variant type: Deletion.
Coding change: c.3949del on transcript NM_001875.5 (MANE Select); coding-DNA position 3949, one base deleted (C; older notation c.3949delC).
Protein change: p.Arg1317fs; shifts the reading frame from arginine 1317.
Molecular consequence: frameshift variant. On other transcripts: non-coding transcript variant (2).
Genome position (GRCh38, 1-based): chr2:210,663,144, C deleted; the last of 4 consecutive C bases (chr2:210,663,141-210,663,144); deleting any one gives the same sequence. VCF-style (leftmost placement, unchanged base first): chr2-210663140-GC-G. GRCh37 (hg19) VCF-style: chr2-211527864-GC-G.
Other names: c.3949del, p.Arg1317fs (NM_001122633.3, NM_001369257.1); c.3982del, p.Arg1328fs (NM_001369256.1); short protein forms R1317fs, R1328fs.
Identifiers: ClinVar variation 5012467 (VCV005012467.1).

ClinVar aggregate classification (germline): Pathogenic (1 of 4 stars; one submission).

Conditions:
Congenital hyperammonemia, type I. Also called: CPS I DEFICIENCY; Carbamoyl phosphate synthetase 1 deficiency; Hyperammonemia due to carbamoyl phosphate synthetase 1 deficiency; CPS 1 deficiency; Carbamyl phosphate synthetase (CPS) deficiency; Carbamoyl phosphate synthetase I deficiency disease. Identifiers: Orphanet 147, MedGen C4082171, MONDO:0009376, OMIM 237300.

Submission:

Myriad Genetics, Inc.
Classification: Pathogenic for Congenital hyperammonemia, type I. Last evaluated: 2023-11-05. Review status: criteria provided, single submitter. Criteria: Myriad Autosomal Dominant, Autosomal Recessive and X-Linked Classification Criteria (2023). Collection method: clinical testing. Allele origin: unknown.
Comment: NM_001875.4(CPS1):c.3949delC(R1317Gfs*2) is expected to be pathogenic in the context of carbamoylphosphate synthetase I deficiency. This variant is predicted to lead to an abnormal or absent protein product due to the creation of a premature termination codon in CPS1, a gene where loss-of-function variants are known to be pathogenic. Please note: this variant was assessed in the context of healthy population screening.